The following is an entry in ClinVar:

ClinVar aggregate classification (germline): Likely benign (1 of 4 stars; one submission).

Conditions:
Familial adenomatous polyposis 1 (FAP1). Also called: POLYPOSIS, ADENOMATOUS INTESTINAL; FAMILIAL ADENOMATOUS POLYPOSIS 1, ATTENUATED. Identifiers: MedGen C2713442, MONDO:0021056, OMIM 175100. Disease mechanism: loss of function.

Submission:

Myriad Genetics, Inc.
Classification: Likely benign for Familial adenomatous polyposis 1. Last evaluated: 2024-02-23. Review status: criteria provided, single submitter. Criteria: Myriad Autosomal Dominant, Autosomal Recessive and X-Linked Classification Criteria (2023). Collection method: clinical testing. Allele origin: unknown.
Comment: This variant is considered likely benign. This variant is intronic and is not expected to impact mRNA splicing.

NM_000038.6(APC):c.531+7A>T

Gene: APC (APC regulator of Wnt signaling pathway; plus strand). Cytogenetic location: 5q22.2.
Variant type: single nucleotide variant.
Coding change: c.531+7A>T on transcript NM_000038.6 (MANE Select); 7 bases into the intron after coding-DNA position 531, A replaced by T.
Molecular consequence: intron variant.
Genome position (GRCh38, 1-based): chr5:112,775,744, A>T. VCF-style: chr5-112775744-A-T. GRCh37 (hg19) VCF-style: chr5-112111441-A-T.
Other names: c.-505+7A>T (NM_001407470.1, NM_001407472.1, NM_001354906.2 and 1 more transcripts); c.531+7A>T (NM_001407447.1, NM_001354895.2, NM_001407456.1 and 16 more transcripts); c.561+7A>T (NM_001407446.1, NM_001354897.2, NM_001354902.2 and 1 more transcripts); c.354+7A>T (NM_001407453.1, NM_001354900.2, NM_001354901.2 and 1 more transcripts); c.456+7A>T (NM_001407451.1, NM_001354898.2, NM_001354904.2).
Identifiers: ClinVar variation 3148078 (VCV003148078.1), dbSNP rs2149616433, ClinGen allele CA2709972552.
Genomic context (GRCh38, chr5:112,775,744, plus strand): 5'-GCTCAACTTCAGAATCTCACTAAAAGAATAGATAGTCTTCCTTTAACTGAAAATGTAAGT[A>T]ACTTGGCAGTACAACTTATTTGAAACTTTAATAACTTGATATTTTAAAGTACCTAGGTAA-3'